The following is an entry in ClinVar:

ClinVar aggregate classification (germline): Likely benign (1 of 4 stars; one submission).

Conditions:
SLC51A-related disorder. Also called: SLC51A-related condition.

Submission:

PreventionGenetics, part of Exact Sciences
Classification: Likely benign for SLC51A-related condition. Last evaluated: 2025-05-20. Review status: criteria provided, single submitter. Criteria: ACMG Guidelines, 2015. Collection method: clinical testing. Allele origin: germline.
Comment: This variant is classified as likely benign based on ACMG/AMP sequence variant interpretation guidelines (Richards et al. 2015 PMID: 25741868, with internal and published modifications).

NM_152672.6(SLC51A):c.521+7C>T

Gene: SLC51A (solute carrier family 51 member A; plus strand). Cytogenetic location: 3q29.
Variant type: single nucleotide variant.
Coding change: c.521+7C>T on transcript NM_152672.6 (MANE Select); 7 bases into the intron after coding-DNA position 521, C replaced by T.
Molecular consequence: intron variant.
Genome position (GRCh38, 1-based): chr3:196,228,280, C>T. VCF-style: chr3-196228280-C-T. GRCh37 (hg19) VCF-style: chr3-195955151-C-T.
Identifiers: ClinVar variation 4982341 (VCV004982341.1).